The following is an entry in ClinVar:

NM_031892.3(SH3KBP1):c.1291C>A (p.His431Asn)

Gene: SH3KBP1 (SH3 domain containing kinase binding protein 1; minus strand). Cytogenetic location: Xp22.12.
Variant type: single nucleotide variant.
Coding change: c.1291C>A on transcript NM_031892.3 (MANE Select); coding-DNA position 1291, C replaced by A.
Protein change: p.His431Asn; replaces histidine 431 with asparagine.
Molecular consequence: missense variant.
Genome position (GRCh38, 1-based): chrX:19,588,650, G>T on the plus strand (C>A on the coding strand, the complement: SH3KBP1 is on the minus strand). VCF-style: chrX-19588650-G-T. GRCh37 (hg19) VCF-style: chrX-19606768-G-T.
Other names: c.1291C>A (NM_031892.2); c.1180C>A, p.His394Asn (NM_001024666.3); c.577C>A, p.His193Asn (NM_001184960.2, NM_001353897.2); c.1291C>A, p.His431Asn (NM_001353890.2); c.1366C>A, p.His456Asn (NM_001353891.2, NM_001353892.2); c.1189C>A, p.His397Asn (NM_001353893.2, NM_001353894.2); c.1246C>A, p.His416Asn (NM_001353895.2); short protein forms H416N, H193N, H394N, H456N, H397N, H431N.
Identifiers: ClinVar variation 1363614 (VCV001363614.7), dbSNP rs374793970, ClinGen allele CA327412141.
Genomic context (GRCh38, chrX:19,588,650, plus strand): 5'-GTTCCTTCCATAGCCACCCCACACCCGCCCCGGAGGTGAGAGCACAGCAGTACCTGGTGT[G>T]TGTCAGCGGACCCACCGGTCTCTCCGGCCTTCTCGGGGGCAGTGCGCCAGGTCTGCTGAG-3'
Protein context (NP_114098.1, residues 421-441): RPERPVGPLT[His431Asn]TRGDSPKIDL

ClinVar aggregate classification (germline): Uncertain significance. Review status: criteria provided, multiple submitters, no conflicts (2 of 4 stars). 2 submissions from 2 submitters: Uncertain significance (2). Last evaluated 2024-03-19.

Allele frequency attached by ClinVar (database versions not stated): gnomAD exomes below 0.00001 and 0.00001.
gnomAD v4.1: 6 of 1,207,650 alleles (0.0005%); highest among the groups gnomAD compares: South Asian, 0.0018%; no homozygotes.

Submissions (2):

Ambry Genetics
Classification: Uncertain significance. Last evaluated: 2024-03-19. Review status: criteria provided, single submitter. Criteria: Ambry Variant Classification Scheme 2023. Collection method: clinical testing. Allele origin: germline.

Labcorp Genetics (formerly Invitae), Labcorp
Classification: Uncertain significance. Last evaluated: 2023-04-09. Review status: criteria provided, single submitter. Criteria: Invitae Variant Classification Sherloc (09022015). Collection method: clinical testing. Allele origin: germline.
Comment: In summary, the available evidence is currently insufficient to determine the role of this variant in disease. Therefore, it has been classified as a Variant of Uncertain Significance. Advanced modeling of protein sequence and biophysical properties (such as structural, functional, and spatial information, amino acid conservation, physicochemical variation, residue mobility, and thermodynamic stability) performed at Invitae indicates that this missense variant is not expected to disrupt SH3KBP1 protein function. ClinVar contains an entry for this variant (Variation ID: 1363614). This variant has not been reported in the literature in individuals affected with SH3KBP1-related conditions. The frequency data for this variant in the population databases is considered unreliable, as metrics indicate poor data quality at this position in the gnomAD database. This sequence change replaces histidine, which is basic and polar, with asparagine, which is neutral and polar, at codon 431 of the SH3KBP1 protein (p.His431Asn).